The following is an entry in ClinVar:

ClinVar aggregate classification (germline): Likely pathogenic (1 of 4 stars; one submission).

Conditions:
Marfan Syndrome/Loeys-Dietz Syndrome/Familial Thoracic Aortic Aneurysms and Dissections. Identifiers: MedGen CN229799.

Submission:

Women's Health and Genetics/Laboratory Corporation of America, LabCorp
Classification: Likely pathogenic for Marfan Syndrome/Loeys-Dietz Syndrome/Familial Thoracic Aortic Aneurysms and Dissections. Last evaluated: 2020-08-10. Review status: criteria provided, single submitter. Criteria: LabCorp Variant Classification Summary - May 2015. Collection method: clinical testing. Allele origin: germline.
Comment: Variant summary: FBN1 c.4243dupT (p.Cys1415LeufsX16) results in a premature termination codon, predicted to cause a truncation of the encoded protein or absence of the protein due to nonsense mediated decay, which are commonly known mechanisms for disease. Truncations downstream of this position have been classified as pathogenic by our laboratory. The variant was absent in 251416 control chromosomes. To our knowledge, no occurrence of c.4243dupT in individuals affected with Marfan Syndrome and no experimental evidence demonstrating its impact on protein function have been reported. No clinical diagnostic laboratories have submitted clinical-significance assessments for this variant to ClinVar after 2014. Based on the evidence outlined above, the variant was classified as likely pathogenic.

NM_000138.5(FBN1):c.4243dup (p.Cys1415fs)

Genes: FBN1 (fibrillin 1; minus strand), LOC126862124 (CDK7 strongly-dependent group 2 enhancer GRCh37_chr15:48764566-48765765; plus strand). Cytogenetic location: 15q21.1.
Variant type: Duplication.
Coding change: c.4243dup on transcript NM_000138.5 (MANE Select); coding-DNA position 4243, one base duplicated (T; older notation c.4243dupT).
Protein change: p.Cys1415fs; shifts the reading frame from cysteine 1415.
Molecular consequence: frameshift variant.
Genome position (GRCh38, 1-based): chr15:48,472,644, A duplicated on the plus strand (T on the coding strand, the reverse complement: FBN1 is on the minus strand). VCF-style (leftmost placement, unchanged base first): chr15-48472643-C-CA. GRCh37 (hg19) VCF-style: chr15-48764840-C-CA.
Other names: short protein forms C1415fs.
Identifiers: ClinVar variation 977687 (VCV000977687.4), dbSNP rs2043386417, ClinGen allele CA1139663953.
Genomic context (GRCh38, chr15:48,472,643, plus strand): 5'-AAGCCCATGTCGCATTCACAGCGGTATCCTCCTGGTGCATTGAGGCACTGGCCATTGCCA[C>CA]AGAGATTCAGGTTCTCAGAGCACTCATCAAGGTCTACAGCCAGAAAGAAACACACGTTAC-3'